The following is an entry in ClinVar:

NM_031475.3(ESPN):c.439G>A (p.Ala147Thr)

Gene: ESPN (espin; plus strand). Cytogenetic location: 1p36.31.
Variant type: single nucleotide variant.
Coding change: c.439G>A on transcript NM_031475.3 (MANE Select); coding-DNA position 439, G replaced by A.
Protein change: p.Ala147Thr; replaces alanine 147 with threonine.
Molecular consequence: missense variant.
Genome position (GRCh38, 1-based): chr1:6,428,370, G>A. VCF-style: chr1-6428370-G-A. GRCh37 (hg19) VCF-style: chr1-6488430-G-A.
Other names: c.439G>A, p.Ala147Thr (NM_001367473.1, NM_001367474.1); short protein forms A147T.
Identifiers: ClinVar variation 179234 (VCV000179234.4), dbSNP rs727504727, ClinGen allele CA184021.

ClinVar aggregate classification (germline): Uncertain significance (1 of 4 stars; one submission).

Allele frequency attached by ClinVar (database versions not stated): gnomAD 0.00001; gnomAD exomes 0.00001 and 0.00002.
gnomAD v4.1: 10 of 1,612,788 alleles (0.00062%); highest among the groups gnomAD compares: Admixed American, 0.005%; no homozygotes.

Submission:

Laboratory for Molecular Medicine, Mass General Brigham Personalized Medicine
Classification: Uncertain significance. Last evaluated: 2013-09-03. Review status: criteria provided, single submitter. Criteria: LMM Criteria. Collection method: clinical testing. Allele origin: germline. Observed: 1 variant allele.
Comment: The Ala147Thr variant in ESPN has not been reported in individuals with hearing loss or in large population studies. Computational analyses (biochemical amino acid properties, conservation, AlignGVGD, PolyPhen2, and SIFT) do not provide st rong support for or against an impact to the protein. In summary, additional inf ormation is needed to fully assess the clinical significance of the Ala147Thr va riant.